The following is an entry in ClinVar:

NM_000533.5(PLP1):c.214A>C (p.Ile72Leu)

Genes: RAB9B (RAB9B, member RAS oncogene family; minus strand), PLP1 (proteolipid protein 1; plus strand). Cytogenetic location: Xq22.2.
Variant type: single nucleotide variant.
Coding change: c.214A>C on transcript NM_000533.5 (MANE Select); coding-DNA position 214, A replaced by C.
Protein change: p.Ile72Leu; replaces isoleucine 72 with leucine.
Molecular consequence: missense variant.
Genome position (GRCh38, 1-based): chrX:103,786,487, A>C. VCF-style: chrX-103786487-A-C. GRCh37 (hg19) VCF-style: chrX-103041416-A-C.
Other names: c.214A>C, p.Ile72Leu (NM_001128834.3, NM_199478.3); c.49A>C, p.Ile17Leu (NM_001305004.1); short protein forms I17L, I72L.
Identifiers: ClinVar variation 3255183 (VCV003255183.1), dbSNP rs1237329577.

ClinVar aggregate classification (germline): Uncertain significance (1 of 4 stars; one submission).

Conditions:
Hereditary spastic paraplegia 2 (SPG2). Also called: SPASTIC PARAPLEGIA 2, X-LINKED; Spastic Paraplegia 2 (SPG2). Identifiers: Orphanet 99015, MedGen C0751604, MONDO:0010733, OMIM 312920.

Submission:

Victorian Clinical Genetics Services, Murdoch Childrens Research Institute
Classification: Uncertain significance for Hereditary spastic paraplegia 2. Last evaluated: 2023-07-17. Review status: criteria provided, single submitter. Criteria: ACMG Guidelines, 2015. Collection method: clinical testing. Allele origin: germline. Inheritance: X-linked recessive inheritance. Affected: yes.
Comment: Based on the classification scheme VCGS_Germline_v1.3.4, this variant is classified as VUS-3B. Following criteria are met: 0102 - Loss of function is a known mechanism of disease in this gene and is associated with spastic paraplegia 2 (SP2) (MIM#312920). Gain of function has been speculated to be the mechanism of disease for missense variants that are associated with Pelizaeus-Merzbacher disease (PMD) (MIM#312080) (PMID: 28286750). (I) 0109 - This gene is associated with X-linked recessive disease. Additionally, some heterozygous females may manifest mild to moderate signs of the disease (PMID: 20301361). Variants associated with severe disease (PMD) in males rarely cause symptoms in heterozygous females, while null variants associated with mild disease (SP2) in males are more likely to cause symptoms in females (PMIDs: 16778599, 20301361). (I) 0115 - Variants in this gene are known to have variable expressivity. PMD and SP2 are at different ends of the same clinical spectrum, and are known to have variable phenotypes. Heterozygous females are generally either unaffected or only mildly affected compared to male family members with the same variant (OMIM, PMID: 16778599). (I) 0200 - Variant is predicted to result in a missense amino acid change from isoleucine to leucine. (I) 0253 - This variant is hemizygous. (I) 0301 - Variant is absent from gnomAD (both v2 and v3). (SP) 0502 - Missense variant with conflicting in silico predictions and uninformative conservation. (I) 0600 - Variant is located in the annotated myelin proteolipid protein domain. (I) 0705 - No comparable missense variants have previous evidence for pathogenicity. (I) 0807 - This variant has no previous evidence of pathogenicity. (I) 0905 - No published segregation evidence has been identified for this variant. (I) 1007 - No published functional evidence has been identified for this variant. (I) 1208 - Inheritance information for this variant is not currently available in this individual. (I) Legend: (SP) - Supporting pathogenic, (I) - Information, (SB) - Supporting benign

Literature cited by the submitters: PubMed 16778599; PubMed 20301361; PubMed 28286750.